The following is an entry in ClinVar:

ClinVar aggregate classification (germline): Uncertain significance (1 of 4 stars; one submission).

Conditions:
Primary ciliary dyskinesia. Also called: Ciliary dyskinesia. Identifiers: Orphanet 244, MedGen C0008780, MONDO:0016575, HP:0012265.

Submission:

Ambry Genetics
Classification: Uncertain significance for Primary ciliary dyskinesia. Last evaluated: 2022-12-19. Review status: criteria provided, single submitter. Criteria: Ambry Variant Classification Scheme 2023. Collection method: clinical testing. Allele origin: germline.
Comment: The p.S900G variant (also known as c.2698A>G), located in coding exon 17 of the ARMC4 gene, results from an A to G substitution at nucleotide position 2698. The serine at codon 900 is replaced by glycine, an amino acid with similar properties. This amino acid position is conserved. In addition, this alteration is predicted to be deleterious by in silico analysis. Since supporting evidence is limited at this time, the clinical significance of this alteration remains unclear.

NM_018076.5(ODAD2):c.2698A>G (p.Ser900Gly)

Gene: ODAD2 (outer dynein arm docking complex subunit 2; minus strand). Cytogenetic location: 10p12.1.
Variant type: single nucleotide variant.
Coding change: c.2698A>G on transcript NM_018076.5 (MANE Select); coding-DNA position 2698, A replaced by G.
Protein change: p.Ser900Gly; replaces serine 900 with glycine.
Molecular consequence: missense variant.
Genome position (GRCh38, 1-based): chr10:27,862,535, T>C on the plus strand (A>G on the coding strand, the complement: ODAD2 is on the minus strand). VCF-style: chr10-27862535-T-C. GRCh37 (hg19) VCF-style: chr10-28151464-T-C.
Other names: c.2698A>G, p.Ser900Gly (NM_001290020.2); c.1273A>G, p.Ser425Gly (NM_001290021.2); c.1774A>G, p.Ser592Gly (NM_001312689.2); short protein forms S900G, S425G, S592G.
Identifiers: ClinVar variation 2448392 (VCV002448392.2), dbSNP rs2491964873, ClinGen allele CA376492619.
Genomic context (GRCh38, chr10:27,862,535, plus strand): 5'-CTGTGATAACAGCTAAATTTTCTTGATCTTTTGCTATGTTGGTAATGGCAGCACATACAC[T>C]TGCCAGAACTTCTTTGTTATCTGATTTCAGTAAATTGACAATAAGTTCCAAACCACCAAC-3'
Protein context (NP_060546.2, residues 890-910): LKSDNKEVLA[Ser900Gly]VCAAITNIAK